The following is an entry in ClinVar:

NM_003024.3(ITSN1):c.3230-10T>C

Gene: ITSN1 (intersectin 1; plus strand). Cytogenetic location: 21q22.11.
Variant type: single nucleotide variant.
Coding change: c.3230-10T>C on transcript NM_003024.3 (MANE Select); 10 bases into the intron before coding-DNA position 3230, T replaced by C.
Molecular consequence: intron variant.
Genome position (GRCh38, 1-based): chr21:33,829,614, T>C. VCF-style: chr21-33829614-T-C. GRCh37 (hg19) VCF-style: chr21-35201918-T-C.
Other names: c.3215-10T>C (NM_001331010.2, NM_001331009.2); c.3230-10T>C (NM_001001132.2); c.3017-10T>C (NM_001331008.2); c.3002-10T>C (NM_001331011.2); c.3104-10T>C (NM_001331012.2).
Identifiers: ClinVar variation 3893498 (VCV003893498.1).

ClinVar aggregate classification (germline): Uncertain significance (1 of 4 stars; one submission).

Submission:

GeneDx
Classification: Uncertain significance. Last evaluated: 2024-10-24. Review status: criteria provided, single submitter. Criteria: GeneDx Variant Classification Process June 2021. Collection method: clinical testing. Allele origin: germline. Affected: yes.
Comment: Not observed at significant frequency in large population cohorts (gnomAD); In silico analysis indicates that this variant does not alter splicing; Has not been previously published as pathogenic or benign to our knowledge